The following is an entry in ClinVar:

NM_014264.5(PLK4):c.929G>A (p.Arg310Lys)

Gene: PLK4 (polo like kinase 4; plus strand). Cytogenetic location: 4q28.1.
Variant type: single nucleotide variant.
Coding change: c.929G>A on transcript NM_014264.5 (MANE Select); coding-DNA position 929, G replaced by A.
Protein change: p.Arg310Lys; replaces arginine 310 with lysine.
Molecular consequence: missense variant.
Genome position (GRCh38, 1-based): chr4:127,886,299, G>A. VCF-style: chr4-127886299-G-A. GRCh37 (hg19) VCF-style: chr4-128807454-G-A.
Other names: c.833G>A, p.Arg278Lys (NM_001190799.2); c.806G>A, p.Arg269Lys (NM_001190801.2); short protein forms R278K, R310K, R269K.
Identifiers: ClinVar variation 1919613 (VCV001919613.5), dbSNP rs903834477, ClinGen allele CA105636891.

ClinVar aggregate classification (germline): Uncertain significance (1 of 4 stars; one submission).

Allele frequency attached by ClinVar (database versions not stated): TOPMed 0.00001.

Submission:

Labcorp Genetics (formerly Invitae), Labcorp
Classification: Uncertain significance. Last evaluated: 2022-03-01. Review status: criteria provided, single submitter. Criteria: Invitae Variant Classification Sherloc (09022015). Collection method: clinical testing. Allele origin: germline.
Comment: In summary, the available evidence is currently insufficient to determine the role of this variant in disease. Therefore, it has been classified as a Variant of Uncertain Significance. Algorithms developed to predict the effect of missense changes on protein structure and function output the following: SIFT: "Tolerated"; PolyPhen-2: "Benign"; Align-GVGD: "Class C0". The lysine amino acid residue is found in multiple mammalian species, which suggests that this missense change does not adversely affect protein function. This variant has not been reported in the literature in individuals affected with PLK4-related conditions. This variant is not present in population databases (gnomAD no frequency). This sequence change replaces arginine, which is basic and polar, with lysine, which is basic and polar, at codon 310 of the PLK4 protein (p.Arg310Lys).